The following is an entry in ClinVar:

ClinVar aggregate classification (germline): Uncertain significance (1 of 4 stars; one submission).

Submission:

Mayo Clinic Laboratories, Mayo Clinic
Classification: Uncertain significance. Last evaluated: 2025-06-24. Review status: criteria provided, single submitter. Criteria: ACMG Guidelines, 2015. Collection method: clinical testing. Allele origin: germline. Observed: 1 variant allele.
Comment: PP3_strong, PM2_supporting

NM_000487.6(ARSA):c.238A>G (p.Thr80Ala)

Gene: ARSA (arylsulfatase A; minus strand). Cytogenetic location: 22q13.33.
Variant type: single nucleotide variant.
Coding change: c.238A>G on transcript NM_000487.6 (MANE Select); coding-DNA position 238, A replaced by G.
Protein change: p.Thr80Ala; replaces threonine 80 with alanine.
Molecular consequence: missense variant. On other transcripts: 5 prime UTR variant (2).
Genome position (GRCh38, 1-based): chr22:50,627,393, T>C on the plus strand (A>G on the coding strand, the complement: ARSA is on the minus strand). VCF-style: chr22-50627393-T-C. GRCh37 (hg19) VCF-style: chr22-51065821-T-C.
Other names: p.Thr80Ala; c.238A>G, p.Thr80Ala (NM_001085425.3, NM_001085426.3, NM_001085427.3); c.-21A>G (NM_001085428.3, NM_001362782.2); short protein forms T80A.
Identifiers: ClinVar variation 4542474 (VCV004542474.1).